The following is an entry in ClinVar:

NM_018136.5(ASPM):c.3042A>T (p.Gln1014His)

Gene: ASPM (assembly factor for spindle microtubules; minus strand). Cytogenetic location: 1q31.3.
Variant type: single nucleotide variant.
Coding change: c.3042A>T on transcript NM_018136.5 (MANE Select); coding-DNA position 3042, A replaced by T.
Protein change: p.Gln1014His; replaces glutamine 1014 with histidine.
Molecular consequence: missense variant.
Genome position (GRCh38, 1-based): chr1:197,125,086, T>A on the plus strand (A>T on the coding strand, the complement: ASPM is on the minus strand). VCF-style: chr1-197125086-T-A. GRCh37 (hg19) VCF-style: chr1-197094216-T-A.
Other names: c.3042A>T, p.Gln1014His (NM_001206846.2); c.3042A>T (NM_018136.4); short protein forms Q1014H.
Identifiers: ClinVar variation 2054833 (VCV002054833.5), dbSNP rs1254541767, ClinGen allele CA344045073.

ClinVar aggregate classification (germline): Uncertain significance. Review status: criteria provided, multiple submitters, no conflicts (2 of 4 stars). 2 submissions from 2 submitters: Uncertain significance (2). Last evaluated 2023-11-15.

Conditions:
Inborn genetic diseases. Identifiers: MedGen C0950123, MeSH D030342.

Allele frequency attached by ClinVar (database versions not stated): gnomAD exomes below 0.00001.
gnomAD v4.1: 1 of 1,614,098 alleles (0.000062%); highest among the groups gnomAD compares: Admixed American, 0.0017%; no homozygotes.

Submissions (2):

Ambry Genetics
Classification: Uncertain significance for Inborn genetic diseases. Last evaluated: 2023-11-15. Review status: criteria provided, single submitter. Criteria: Ambry Variant Classification Scheme 2023. Collection method: clinical testing. Allele origin: germline.

Labcorp Genetics (formerly Invitae), Labcorp
Classification: Uncertain significance. Last evaluated: 2023-04-14. Review status: criteria provided, single submitter. Criteria: Invitae Variant Classification Sherloc (09022015). Collection method: clinical testing. Allele origin: germline.
Comment: Advanced modeling of protein sequence and biophysical properties (such as structural, functional, and spatial information, amino acid conservation, physicochemical variation, residue mobility, and thermodynamic stability) performed at Invitae indicates that this missense variant is not expected to disrupt ASPM protein function. In summary, the available evidence is currently insufficient to determine the role of this variant in disease. Therefore, it has been classified as a Variant of Uncertain Significance. This sequence change replaces glutamine, which is neutral and polar, with histidine, which is basic and polar, at codon 1014 of the ASPM protein (p.Gln1014His). This variant is present in population databases (no rsID available, gnomAD 0.003%). This variant has not been reported in the literature in individuals affected with ASPM-related conditions. ClinVar contains an entry for this variant (Variation ID: 2054833).